The following is an entry in ClinVar:

NM_003919.3(SGCE):c.1297+945T>C

Genes: CASD1 (CAS1 domain sialic acid O acetyltransferase 1; plus strand), SGCE (sarcoglycan epsilon; minus strand). Cytogenetic location: 7q21.3.
Variant type: single nucleotide variant.
Coding change: c.1297+945T>C on transcript NM_003919.3 (MANE Select); 945 bases into the intron after coding-DNA position 1297, T replaced by C.
Molecular consequence: intron variant.
Genome position (GRCh38, 1-based): chr7:94,587,744, A>G on the plus strand (T>C on the coding strand, the complement: SGCE is on the minus strand). VCF-style: chr7-94587744-A-G. GRCh37 (hg19) VCF-style: chr7-94217056-A-G.
Other names: c.1147+945T>C (NM_001362809.2); c.1174+945T>C (NM_001301139.2); c.1270+945T>C (NM_001346717.2); c.1305+34T>C (NM_001099400.2); c.1372+945T>C (NM_001099401.2); c.1378+945T>C (NM_001346715.2); c.1405+945T>C (NM_001346713.2); c.1183+945T>C (NM_001362807.2); and 3 more.
Identifiers: ClinVar variation 3250833 (VCV003250833.18), dbSNP rs772509228.

ClinVar aggregate classification (germline): Likely benign (1 of 4 stars; one submission).

Allele frequency attached by ClinVar (database versions not stated): gnomAD exomes 0.00005; TOPMed 0.00005; gnomAD 0.00006.
gnomAD v4.1: 80 of 1,534,826 alleles (0.0052%); highest among the groups gnomAD compares: Non-Finnish European, 0.0069%; no homozygotes.

Submission:

CeGaT Center for Human Genetics Tuebingen
Classification: Likely benign. Last evaluated: 2026-02-01. Review status: criteria provided, single submitter. Criteria: CeGaT Center For Human Genetics Tuebingen Variant Classification Criteria Version 2. Collection method: clinical testing. Allele origin: germline. Affected: yes. Observed: 2 variant alleles.
Comment: SGCE: BP4, BP7